The following is an entry in ClinVar:

NM_032043.3(BRIP1):c.2228A>C (p.Tyr743Ser)

Gene: BRIP1 (BRCA1 interacting DNA helicase 1; minus strand). Cytogenetic location: 17q23.2.
Variant type: single nucleotide variant.
Coding change: c.2228A>C on transcript NM_032043.3 (MANE Select); coding-DNA position 2228, A replaced by C.
Protein change: p.Tyr743Ser; replaces tyrosine 743 with serine.
Molecular consequence: missense variant.
Genome position (GRCh38, 1-based): chr17:61,744,461, T>G on the plus strand (A>C on the coding strand, the complement: BRIP1 is on the minus strand). VCF-style: chr17-61744461-T-G. GRCh37 (hg19) VCF-style: chr17-59821822-T-G.
Other names: short protein forms Y743S.
Identifiers: ClinVar variation 187004 (VCV000187004.15), dbSNP rs750033391, ClinGen allele CA196455.

ClinVar aggregate classification (germline): Uncertain significance. Review status: criteria provided, multiple submitters, no conflicts (2 of 4 stars). 3 submissions from 3 submitters: Uncertain significance (3). Last evaluated 2024-03-25.

Conditions:
Familial cancer of breast. Also called: BREAST CANCER, FAMILIAL; Hereditary breast cancer; hereditary breast carcinoma. Identifiers: Orphanet 227535, MedGen C0346153, MONDO:0016419, OMIM 114480. Disease mechanism: loss of function.
Fanconi anemia complementation group J. Also called: BRIP1-Related Fanconi Anemia. Identifiers: Orphanet 84, MedGen C1836860, MONDO:0012187, OMIM 609054.
Hereditary cancer-predisposing syndrome. Also called: Hereditary Cancer Syndrome; Neoplastic Syndromes, Hereditary; Tumor predisposition; Hereditary neoplastic syndrome. Identifiers: Orphanet 140162, MedGen C0027672, MeSH D009386, MONDO:0015356.

gnomAD v4.1: 3 of 1,613,906 alleles (0.00019%); highest among the groups gnomAD compares: Non-Finnish European, 0.00025%; no homozygotes.

Submissions (3):

Baylor Genetics
Classification: Uncertain significance for Familial cancer of breast. Last evaluated: 2024-03-25. Review status: criteria provided, single submitter. Criteria: ACMG Guidelines, 2015. Collection method: clinical testing. Allele origin: unknown.

Labcorp Genetics (formerly Invitae), Labcorp
Classification: Uncertain significance for Familial cancer of breast; Fanconi anemia complementation group J. Last evaluated: 2024-02-02. Review status: criteria provided, single submitter. Criteria: Invitae Variant Classification Sherloc (09022015). Collection method: clinical testing. Allele origin: germline.
Comment: This sequence change replaces tyrosine, which is neutral and polar, with serine, which is neutral and polar, at codon 743 of the BRIP1 protein (p.Tyr743Ser). This variant is not present in population databases (gnomAD no frequency). This variant has not been reported in the literature in individuals affected with BRIP1-related conditions. ClinVar contains an entry for this variant (Variation ID: 187004). Advanced modeling of protein sequence and biophysical properties (such as structural, functional, and spatial information, amino acid conservation, physicochemical variation, residue mobility, and thermodynamic stability) performed at Invitae indicates that this missense variant is not expected to disrupt BRIP1 protein function with a negative predictive value of 80%. In summary, the available evidence is currently insufficient to determine the role of this variant in disease. Therefore, it has been classified as a Variant of Uncertain Significance.

Ambry Genetics
Classification: Uncertain significance for Hereditary cancer-predisposing syndrome. Last evaluated: 2024-01-22. Review status: criteria provided, single submitter. Criteria: Ambry Variant Classification Scheme 2023. Collection method: clinical testing. Allele origin: germline.
Comment: The p.Y743S variant (also known as c.2228A>C), located in coding exon 14 of the BRIP1 gene, results from an A to C substitution at nucleotide position 2228. The tyrosine at codon 743 is replaced by serine, an amino acid with dissimilar properties. This amino acid position is highly conserved in available vertebrate species. In addition, this alteration is predicted to be deleterious by in silico analysis. Since supporting evidence is limited at this time, the clinical significance of this alteration remains unclear.